The following is an entry in ClinVar:

NM_001039213.4(CEACAM16):c.357G>A (p.Val119=)

Genes: CEACAM16 (CEA cell adhesion molecule 16, tectorial membrane component; plus strand), CEACAM16-AS1 (CEACAM16, CEACAM19 and PVR antisense RNA 1; minus strand). Cytogenetic location: 19q13.32.
Variant type: single nucleotide variant.
Coding change: c.357G>A on transcript NM_001039213.4 (MANE Select); coding-DNA position 357, G replaced by A.
Protein change: p.Val119=; no amino-acid change (valine 119 retained).
Molecular consequence: synonymous variant.
Genome position (GRCh38, 1-based): chr19:44,703,668, G>A. VCF-style: chr19-44703668-G-A. GRCh37 (hg19) VCF-style: chr19-45206938-G-A.
Identifiers: ClinVar variation 3899744 (VCV003899744.1).

ClinVar aggregate classification (germline): Uncertain significance (1 of 4 stars; one submission).

gnomAD v4.1: 1 of 1,568,496 alleles (0.000064%); highest among the groups gnomAD compares: Non-Finnish European, 0.000087%; no homozygotes.

Submission:

GeneDx
Classification: Uncertain significance. Last evaluated: 2024-11-15. Review status: criteria provided, single submitter. Criteria: GeneDx Variant Classification Process June 2021. Collection method: clinical testing. Allele origin: germline. Affected: yes.
Comment: Not observed at significant frequency in large population cohorts (gnomAD); In silico analysis supports a deleterious effect on splicing; Has not been previously published as pathogenic or benign to our knowledge